The following is an entry in ClinVar:

NM_014264.5(PLK4):c.585_604dup (p.Tyr202fs)

Gene: PLK4 (polo like kinase 4; plus strand). Cytogenetic location: 4q28.1.
Variant type: Duplication.
Coding change: c.585_604dup on transcript NM_014264.5 (MANE Select); coding-DNA positions 585 to 604, 20 bases duplicated (GTCCCTGGGCTGTATGTTTT).
Protein change: p.Tyr202fs; shifts the reading frame from tyrosine 202.
Molecular consequence: frameshift variant.
Genome position (GRCh38, 1-based): chr4:127,885,955-127,885,974, GTCCCTGGGCTGTATGTTTT duplicated. VCF-style (leftmost placement, unchanged base first): chr4-127885954-G-GGTCCCTGGGCTGTATGTTTT. GRCh37 (hg19) VCF-style: chr4-128807109-G-GGTCCCTGGGCTGTATGTTTT.
Other names: c.489_508dup, p.Tyr170fs (NM_001190799.2); c.462_481dup, p.Tyr161fs (NM_001190801.2); short protein forms Y161fs, Y170fs, Y202fs.
Identifiers: ClinVar variation 2839569 (VCV002839569.3), dbSNP rs2546012393, ClinGen allele CA2739265917.
Genomic context (GRCh38, chr4:127,885,954, plus strand): 5'-CTAACTACATTTCACCAGAAATTGCCACTCGAAGTGCACATGGCCTTGAATCTGATGTTT[G>GGTCCCTGGGCTGTATGTTTT]GTCCCTGGGCTGTATGTTTTATACATTACTTATCGGGAGACCACCCTTCGACACTGACAC-3'

ClinVar aggregate classification (germline): Pathogenic (1 of 4 stars; one submission).

Submission:

Labcorp Genetics (formerly Invitae), Labcorp
Classification: Pathogenic. Last evaluated: 2023-02-21. Review status: criteria provided, single submitter. Criteria: Invitae Variant Classification Sherloc (09022015). Collection method: clinical testing. Allele origin: germline.
Comment: For these reasons, this variant has been classified as Pathogenic. This variant has not been reported in the literature in individuals affected with PLK4-related conditions. This variant is not present in population databases (gnomAD no frequency). This sequence change creates a premature translational stop signal (p.Tyr202Cysfs*26) in the PLK4 gene. It is expected to result in an absent or disrupted protein product. Loss-of-function variants in PLK4 are known to be pathogenic (PMID: 25320347, 30842647).

Literature cited by the submitters: PubMed 25320347; PubMed 30842647.